The following is an entry in ClinVar:

ClinVar aggregate classification (germline): Benign/Likely benign. Review status: criteria provided, multiple submitters, no conflicts (2 of 4 stars). 7 submissions from 7 submitters: Benign (1); Likely benign (6). Last evaluated 2025-12-01.

Conditions:
Mismatch repair cancer syndrome 4. Identifiers: MedGen C5436817, MONDO:0030843, OMIM 619101.
Lynch syndrome 4 (LYNCH4). Also called: Colorectal cancer, hereditary nonpolyposis, type 4; Hereditary non-polyposis colorectal cancer, type 4. Identifiers: Orphanet 144, MedGen C1838333, MONDO:0013699, OMIM 614337. Disease mechanism: loss of function.
Hereditary nonpolyposis colorectal neoplasms. Identifiers: MedGen C0009405, MeSH D003123.
Lynch syndrome. Identifiers: Orphanet 144, MedGen C4552100, MONDO:0005835. Disease mechanism: loss of function.
Hereditary cancer-predisposing syndrome. Also called: Hereditary neoplastic syndrome; Tumor predisposition; Hereditary Cancer Syndrome; Neoplastic Syndromes, Hereditary. Identifiers: Orphanet 140162, MedGen C0027672, MeSH D009386, MONDO:0015356.

Allele frequency attached by ClinVar (database versions not stated): gnomAD exomes below 0.00001.

Submissions (7):

Labcorp Genetics (formerly Invitae), Labcorp
Classification: Likely benign for Hereditary nonpolyposis colorectal neoplasms. Last evaluated: 2025-12-01. Review status: criteria provided, single submitter. Criteria: Invitae Variant Classification Sherloc (09022015). Collection method: clinical testing. Allele origin: germline.

Myriad Genetics, Inc.
Classification: Benign for Lynch syndrome 4. Last evaluated: 2025-01-31. Review status: criteria provided, single submitter. Criteria: Myriad Autosomal Dominant, Autosomal Recessive and X-Linked Classification Criteria (2023). Collection method: clinical testing. Allele origin: unknown.
Comment: This variant is considered benign. This variant is a silent/synonymous amino acid change and it is not expected to impact splicing.

All of Us Research Program, National Institutes of Health
Classification: Likely benign for Lynch syndrome. Last evaluated: 2023-11-02. Review status: criteria provided, single submitter. Criteria: ACMG Guidelines, 2015. Collection method: clinical testing. Allele origin: germline. Inheritance: Autosomal dominant inheritance. Observed: 1 variant allele, 1 heterozygote.
Comment: This study involves interpretation of variants in research participants for the purpose of population health screening. Participant phenotype was not available at the time of variant classification. Additional details can be found in publication PMID: 35346344, PMCID: PMC8962531

Department of Pathology and Laboratory Medicine, Sinai Health System
Classification: Likely benign for Lynch syndrome 4; Mismatch repair cancer syndrome 4. Last evaluated: 2023-05-10. Review status: criteria provided, single submitter. Criteria: ACMG Guidelines, 2015. Collection method: clinical testing. Allele origin: germline. Affected: no.

Ambry Genetics
Classification: Likely benign for Hereditary cancer-predisposing syndrome. Last evaluated: 2018-03-19. Review status: criteria provided, single submitter. Criteria: Ambry Variant Classification Scheme 2023. Collection method: clinical testing. Allele origin: germline.

GeneDx
Classification: Likely benign. Last evaluated: 2017-06-30. Review status: criteria provided, single submitter. Criteria: GeneDx Variant Classification (06012015). Collection method: clinical testing. Allele origin: germline. Affected: yes.
Comment: This variant is considered likely benign or benign based on one or more of the following criteria: it is a conservative change, it occurs at a poorly conserved position in the protein, it is predicted to be benign by multiple in silico algorithms, and/or has population frequency not consistent with disease.

Color Diagnostics, LLC DBA Color Health
Classification: Likely benign for Hereditary cancer-predisposing syndrome. Last evaluated: 2017-05-26. Review status: criteria provided, single submitter. Criteria: ACMG Guidelines, 2015. Collection method: clinical testing. Allele origin: germline.

NM_000535.7(PMS2):c.1671T>C (p.Asp557=)

Gene: PMS2 (PMS1 homolog 2, mismatch repair system component; minus strand). Cytogenetic location: 7p22.1.
Variant type: single nucleotide variant.
Coding change: c.1671T>C on transcript NM_000535.7 (MANE Select); coding-DNA position 1671, T replaced by C.
Protein change: p.Asp557=; no amino-acid change (aspartic acid 557 retained).
Molecular consequence: synonymous variant. On other transcripts: non-coding transcript variant (1).
Genome position (GRCh38, 1-based): chr7:5,987,094, A>G on the plus strand (T>C on the coding strand, the complement: PMS2 is on the minus strand). VCF-style: chr7-5987094-A-G. GRCh37 (hg19) VCF-style: chr7-6026725-A-G.
Other names: c.1266T>C, p.Asp422= (NM_001322003.2, NM_001322004.2, NM_001322005.2 and 1 more transcripts); c.1515T>C, p.Asp505= (NM_001322006.2); c.1353T>C, p.Asp451= (NM_001322007.2, NM_001322008.2); c.1110T>C, p.Asp370= (NM_001322010.2); c.738T>C, p.Asp246= (NM_001322011.2, NM_001322012.2); c.1098T>C, p.Asp366= (NM_001322013.2); c.1671T>C, p.Asp557= (NM_001322014.2); c.1362T>C, p.Asp454= (NM_001322015.2).
Identifiers: ClinVar variation 492267 (VCV000492267.21), dbSNP rs1554297386, ClinGen allele CA453746149.